The following is an entry in ClinVar:

ClinVar aggregate classification (germline): Uncertain significance (1 of 4 stars; one submission).

Conditions:
Alzheimer disease. Also called: Presenile and senile dementia; Alzheimer's disease. Identifiers: Orphanet 1020, MedGen C0002395, MeSH D000544, MONDO:0004975, HP:0002511.

Allele frequency attached by ClinVar (database versions not stated): gnomAD exomes below 0.00001.
gnomAD v4.1: 3 of 1,614,096 alleles (0.00019%); highest among the groups gnomAD compares: East Asian, 0.0022%; no homozygotes.

Submission:

Labcorp Genetics (formerly Invitae), Labcorp
Classification: Uncertain significance for Alzheimer disease. Last evaluated: 2021-09-14. Review status: criteria provided, single submitter. Criteria: Invitae Variant Classification Sherloc (09022015). Collection method: clinical testing. Allele origin: germline.
Comment: In summary, the available evidence is currently insufficient to determine the role of this variant in disease. Therefore, it has been classified as a Variant of Uncertain Significance. Algorithms developed to predict the effect of missense changes on protein structure and function (SIFT, PolyPhen-2, Align-GVGD) all suggest that this variant is likely to be disruptive. This missense change has been observed in individual(s) with clinical features of early-onset Alzheimer disease (Invitae). This variant is not present in population databases (ExAC no frequency). This sequence change replaces arginine with cysteine at codon 488 of the APP protein (p.Arg488Cys). The arginine residue is highly conserved and there is a large physicochemical difference between arginine and cysteine.

NM_000484.4(APP):c.1462C>T (p.Arg488Cys)

Genes: APP (amyloid beta precursor protein; minus strand), LOC126653330 (CDK7 strongly-dependent group 2 enhancer GRCh37_chr21:27326978-27328177; plus strand). Cytogenetic location: 21q21.3.
Variant type: single nucleotide variant.
Coding change: c.1462C>T on transcript NM_000484.4 (MANE Select); coding-DNA position 1462, C replaced by T.
Protein change: p.Arg488Cys; replaces arginine 488 with cysteine.
Molecular consequence: missense variant.
Genome position (GRCh38, 1-based): chr21:25,955,752, G>A on the plus strand (C>T on the coding strand, the complement: APP is on the minus strand). VCF-style: chr21-25955752-G-A. GRCh37 (hg19) VCF-style: chr21-27328066-G-A.
Other names: c.1390C>T, p.Arg464Cys (NM_001136016.3); c.1069C>T, p.Arg357Cys (NM_001136129.3); c.1294C>T, p.Arg432Cys (NM_001136130.3, NM_001385253.1); c.1132C>T, p.Arg378Cys (NM_001136131.3); c.1462C>T, p.Arg488Cys (NM_001204301.2); c.1405C>T, p.Arg469Cys (NM_001204302.2, NM_201413.3); c.1237C>T, p.Arg413Cys (NM_001204303.2, NM_201414.3); short protein forms R432C, R464C, R357C, R488C, R378C, R413C, R469C.
Identifiers: ClinVar variation 1525891 (VCV001525891.6), dbSNP rs2146493615, ClinGen allele CA409810452.